The following is an entry in ClinVar:

NM_021942.6(TRAPPC11):c.3309C>A (p.Phe1103Leu)

Gene: TRAPPC11 (trafficking protein particle complex subunit 11; plus strand). Cytogenetic location: 4q35.1.
Variant type: single nucleotide variant.
Coding change: c.3309C>A on transcript NM_021942.6 (MANE Select); coding-DNA position 3309, C replaced by A.
Protein change: p.Phe1103Leu; replaces phenylalanine 1103 with leucine.
Molecular consequence: missense variant. On other transcripts: intron variant (1).
Genome position (GRCh38, 1-based): chr4:183,708,526, C>A. VCF-style: chr4-183708526-C-A. GRCh37 (hg19) VCF-style: chr4-184629679-C-A.
Other names: c.3200-10C>A (NM_199053.3); c.3309C>A (NM_021942.4); short protein forms F1103L.
Identifiers: ClinVar variation 2146847 (VCV002146847.4), dbSNP rs777611107, ClinGen allele CA3152496.

ClinVar aggregate classification (germline): Uncertain significance. Review status: criteria provided, multiple submitters, no conflicts (2 of 4 stars). 2 submissions from 2 submitters: Uncertain significance (2). Last evaluated 2025-12-25.

Conditions:
Autosomal recessive limb-girdle muscular dystrophy type R18 (LGMDR18). Also called: Limb-girdle muscular dystrophy, type 2S; MUSCULAR DYSTROPHY, LIMB-GIRDLE, AUTOSOMAL RECESSIVE 18; Autosomal recessive limb-girdle muscular dystrophy type 2S. Identifiers: Orphanet 369840, MedGen C4517996, MONDO:0014144, OMIM 615356.
Inborn genetic diseases. Identifiers: MedGen C0950123, MeSH D030342.

Allele frequency attached by ClinVar (database versions not stated): gnomAD 0.00001; gnomAD exomes 0.00002; TOPMed 0.00002; ExAC 0.00003.
gnomAD v4.1: 32 of 1,613,998 alleles (0.002%); highest among the groups gnomAD compares: South Asian, 0.024%; 1 homozygote.

Submissions (2):

Labcorp Genetics (formerly Invitae), Labcorp
Classification: Uncertain significance for Autosomal recessive limb-girdle muscular dystrophy type R18. Last evaluated: 2025-12-25. Review status: criteria provided, single submitter. Criteria: Invitae Variant Classification Sherloc (09022015). Collection method: clinical testing. Allele origin: germline.
Comment: This sequence change replaces phenylalanine, which is neutral and non-polar, with leucine, which is neutral and non-polar, at codon 1103 of the TRAPPC11 protein (p.Phe1103Leu). This variant is present in population databases (rs777611107, gnomAD 0.03%), including at least one homozygous and/or hemizygous individual. This variant has not been reported in the literature in individuals affected with TRAPPC11-related conditions. ClinVar contains an entry for this variant (Variation ID: 2146847). Invitae Evidence Modeling of protein sequence and biophysical properties (such as structural, functional, and spatial information, amino acid conservation, physicochemical variation, residue mobility, and thermodynamic stability) indicates that this missense variant is not expected to disrupt TRAPPC11 protein function with a negative predictive value of 80%. In summary, the available evidence is currently insufficient to determine the role of this variant in disease. Therefore, it has been classified as a Variant of Uncertain Significance.

Ambry Genetics
Classification: Uncertain significance for Inborn genetic diseases. Last evaluated: 2023-06-29. Review status: criteria provided, single submitter. Criteria: Ambry Variant Classification Scheme 2023. Collection method: clinical testing. Allele origin: germline.